The following is an entry in ClinVar:

ClinVar aggregate classification (germline): Uncertain significance (1 of 4 stars; one submission).

gnomAD v4.1: 1 of 1,608,472 alleles (0.000062%); highest among the groups gnomAD compares: Non-Finnish European, 0.000085%; no homozygotes.

Submission:

CeGaT Center for Human Genetics Tuebingen
Classification: Uncertain significance. Last evaluated: 2024-10-01. Review status: criteria provided, single submitter. Criteria: CeGaT Center For Human Genetics Tuebingen Variant Classification Criteria Version 2. Collection method: clinical testing. Allele origin: germline. Affected: yes. Observed: 1 variant allele.
Comment: CDC42BPB: PM2, BP4

NM_006035.4(CDC42BPB):c.4928C>T (p.Ser1643Leu)

Gene: CDC42BPB (CDC42 binding protein kinase beta; minus strand). Cytogenetic location: 14q32.32.
Variant type: single nucleotide variant.
Coding change: c.4928C>T on transcript NM_006035.4 (MANE Select); coding-DNA position 4928, C replaced by T.
Protein change: p.Ser1643Leu; replaces serine 1643 with leucine.
Molecular consequence: missense variant.
Genome position (GRCh38, 1-based): chr14:102,938,311, G>A on the plus strand (C>T on the coding strand, the complement: CDC42BPB is on the minus strand). VCF-style: chr14-102938311-G-A. GRCh37 (hg19) VCF-style: chr14-103404648-G-A.
Other names: c.4850C>T, p.Ser1617Leu (NM_001411054.1); short protein forms S1617L, S1643L.
Identifiers: ClinVar variation 3389851 (VCV003389851.14).
Genomic context (GRCh38, chr14:102,938,311, plus strand): 5'-GCACCCCCTACCCCCCACCTCCCCCAGGGCTGCGGGGGCCAGGCTTCCCCTGTACCTGAT[G>A]AGGGCCACGAGATGTAGGGCTTGTTCCTGGATGGAGGCTGGCGAGCCAGGTTGGTGGGAG-3'
Protein context (NP_006026.3, residues 1633-1653): SRNKPYISWP[Ser1643Leu]SGGSEPSVTV